The following is an entry in ClinVar:

NM_014425.5(INVS):c.907G>A (p.Glu303Lys)

Gene: INVS (inversin; plus strand). Cytogenetic location: 9q31.1.
Variant type: single nucleotide variant.
Coding change: c.907G>A on transcript NM_014425.5 (MANE Select); coding-DNA position 907, G replaced by A.
Protein change: p.Glu303Lys; replaces glutamic acid 303 with lysine.
Molecular consequence: missense variant. On other transcripts: 5 prime UTR variant (1), non-coding transcript variant (1).
Genome position (GRCh38, 1-based): chr9:100,246,616, G>A. VCF-style: chr9-100246616-G-A. GRCh37 (hg19) VCF-style: chr9-103008898-G-A.
Other names: c.619G>A, p.Glu207Lys (NM_001318381.2); c.-72G>A (NM_001318382.2); c.907G>A (NM_014425.2); short protein forms E207K, E303K.
Identifiers: ClinVar variation 3350282 (VCV003350282.3).
Genomic context (GRCh38, chr9:100,246,616, plus strand): 5'-TTATTACCACAGAAAATACTACTGTTTTGTCTCCATTTTTTAAATCAAGTTTTCTTACAG[G>A]AAACGGTTAAAGTGTTTTTAAAACATCCTTCAGTGAAAGATGATTCAGACCTGGAAGGAA-3'
Protein context (NP_055240.2, residues 293-313): LHYAAQSNFA[Glu303Lys]TVKVFLKHPS

ClinVar aggregate classification (germline): Uncertain significance. Review status: criteria provided, multiple submitters, no conflicts (2 of 4 stars). 3 submissions from 3 submitters: Uncertain significance (2). 1 of the submissions does not count toward it. Last evaluated 2025-08-23.

Conditions:
Infantile nephronophthisis (NPHP2). Also called: Nephronophthisis 2; Nephronophthisis 2, infantile. Identifiers: Orphanet 655, Orphanet 93591, MedGen C1865872, MONDO:0011190, OMIM 602088.
INVS-related disorder. Also called: INVS-related condition.
Inborn genetic diseases. Identifiers: MedGen C0950123, MeSH D030342.

Submissions (3):

Ambry Genetics
Classification: Uncertain significance for Inborn genetic diseases. Last evaluated: 2025-08-23. Review status: criteria provided, single submitter. Criteria: Ambry Variant Classification Scheme 2023. Collection method: clinical testing. Allele origin: germline.

Department of Pathology and Laboratory Medicine, Sinai Health System
Classification: Uncertain significance for Infantile nephronophthisis. Last evaluated: 2023-06-15. Review status: criteria provided, single submitter. Criteria: ACMG Guidelines, 2015. Collection method: research. Allele origin: germline.

PreventionGenetics, part of Exact Sciences
Classification: Uncertain significance for INVS-related condition. Last evaluated: 2024-08-24. Review status: no assertion criteria provided. Collection method: clinical testing. Allele origin: germline. Not counted in ClinVar's aggregate classification.
Comment: The INVS c.907G>A variant is predicted to result in the amino acid substitution p.Glu303Lys. To our knowledge, this variant has not been reported in the literature. This variant is reported in 0.0018% of alleles in individuals of European (Non-Finnish) descent in gnomAD. At this time, the clinical significance of this variant is uncertain due to the absence of conclusive functional and genetic evidence.